The following is an entry in ClinVar:

ClinVar aggregate classification (germline): Likely pathogenic (1 of 4 stars; one submission).

Submission:

Dasa
Classification: Likely pathogenic. Last evaluated: 2025-06-03. Review status: criteria provided, single submitter. Criteria: DASA Assertion Criteria. Collection method: clinical testing. Allele origin: germline.
Comment: NM_001611.5(ACP5):c.544dup (p.Arg182Profs*69) is a frameshift variant in ACP5 predicted to alter the reading frame and introduce a premature termination codon and is predicted to result in an absent or altered protein product. Loss of function is an established disease mechanism for ACP5-associated disorders. Also, this variant is absent from population databases. Based on the currently available evidence, this variant is classified as likely pathogenic.

NM_001611.5(ACP5):c.544dup (p.Arg182fs)

Gene: ACP5 (acid phosphatase 5, tartrate resistant; minus strand). Cytogenetic location: 19p13.2.
Variant type: Duplication.
Coding change: c.544dup on transcript NM_001611.5 (MANE Select); coding-DNA position 544, one base duplicated (C; older notation c.544dupC).
Protein change: p.Arg182fs; shifts the reading frame from arginine 182.
Molecular consequence: frameshift variant.
Genome position (GRCh38, 1-based): chr19:11,576,434, G duplicated on the plus strand (C on the coding strand, the reverse complement: ACP5 is on the minus strand); the first of 3 consecutive G bases (chr19:11,576,434-11,576,436); duplicating any one gives the same sequence. VCF-style (leftmost placement, unchanged base first): chr19-11576433-C-CG. GRCh37 (hg19) VCF-style: chr19-11687248-C-CG.
Other names: c.544dup, p.Arg182fs (NM_001439236.1, NM_001111034.3, NM_001111035.3 and 5 more transcripts); short protein forms R182fs.
Identifiers: ClinVar variation 4880654 (VCV004880654.2).